The following is an entry in ClinVar:

ClinVar aggregate classification (germline): Conflicting classifications of pathogenicity. Review status: criteria provided, conflicting classifications (1 of 4 stars). 7 submissions from 7 submitters: Uncertain significance (6); Likely benign (1). Last evaluated 2026-01-15.

Conditions:
Cardiovascular phenotype. Identifiers: MedGen CN230736.
Lethal congenital glycogen storage disease of heart. Also called: GLYCOGEN STORAGE DISEASE OF HEART; PHOSPHORYLASE KINASE DEFICIENCY OF HEART. Identifiers: Orphanet 439854, MedGen C1849813, MONDO:0009867, OMIM 261740.
Hypertrophic cardiomyopathy 6. Identifiers: MedGen C1833236, MONDO:0010946, OMIM 600858.
Wolff-Parkinson-White pattern. Also called: WPW SYNDROME; Auriculoventricular accessory pathway syndrome; False bundle branch block syndrome; Anomalous ventricular excitation syndrome. Identifiers: MedGen C0043202, MONDO:0008685, OMIM 194200, HP:0001716.
Cardiomyopathy (CMYO). Also called: Cardiomyopathies. Identifiers: Orphanet 167848, MedGen C0878544, MONDO:0004994, HP:0001638. Inheritance: Various modes of inheritance.
Hypertrophic cardiomyopathy. Also called: HYPERTROPHIC MYOCARDIOPATHY. Identifiers: Orphanet 217569, MedGen C0007194, MeSH D002312, MONDO:0005045, HP:0001639.

Allele frequency attached by ClinVar (database versions not stated): gnomAD exomes 0.00002; TOPMed 0.00002; 1000 Genomes Project 30x 0.00016.
gnomAD v4.1: 25 of 1,614,098 alleles (0.0015%); highest among the groups gnomAD compares: Admixed American, 0.005%; no homozygotes.

Submissions (7):

Labcorp Genetics (formerly Invitae), Labcorp
Classification: Likely benign for Lethal congenital glycogen storage disease of heart. Last evaluated: 2026-01-15. Review status: criteria provided, single submitter. Criteria: Invitae Variant Classification Sherloc (09022015). Collection method: clinical testing. Allele origin: germline.

Mayo Clinic Laboratories, Mayo Clinic
Classification: Uncertain significance. Last evaluated: 2025-07-30. Review status: criteria provided, single submitter. Criteria: ACMG Guidelines, 2015. Collection method: clinical testing. Allele origin: germline. Observed: 1 variant allele.

Color Diagnostics, LLC DBA Color Health
Classification: Uncertain significance for Cardiomyopathy. Last evaluated: 2024-03-07. Review status: criteria provided, single submitter. Criteria: ACMG Guidelines, 2015. Collection method: clinical testing. Allele origin: germline.
Comment: This missense variant replaces arginine with tryptophan at codon 186 of the PRKAG2 protein. Computational prediction is inconclusive regarding the impact of this variant on protein structure and function (internally defined REVEL score threshold 0.5 < inconclusive < 0.7, PMID: 27666373). To our knowledge, functional studies have not been reported for this variant. This variant has not been reported in individuals affected with cardiovascular disorders in the literature. This variant has been identified in 5/251482 chromosomes in the general population by the Genome Aggregation Database (gnomAD). The available evidence is insufficient to determine the role of this variant in disease conclusively. Therefore, this variant is classified as a Variant of Uncertain Significance.

All of Us Research Program, National Institutes of Health
Classification: Uncertain significance for Hypertrophic cardiomyopathy. Last evaluated: 2023-06-28. Review status: criteria provided, single submitter. Criteria: ACMG Guidelines, 2015. Collection method: clinical testing. Allele origin: germline. Inheritance: Autosomal dominant inheritance. Observed: 3 variant alleles, 3 heterozygotes.
Comment: This missense variant replaces arginine with tryptophan at codon 186 of the PRKAG2 protein. Computational prediction is inconclusive regarding the impact of this variant on protein structure and function (internally defined REVEL score threshold 0.5 < inconclusive < 0.7, PMID: 27666373). To our knowledge, functional studies have not been reported for this variant. This variant has not been reported in individuals affected with cardiovascular disorders in the literature. This variant has been identified in 5/251482 chromosomes in the general population by the Genome Aggregation Database (gnomAD). The available evidence is insufficient to determine the role of this variant in disease conclusively. Therefore, this variant is classified as a Variant of Uncertain Significance.

This study involves interpretation of variants in research participants for the purpose of population health screening. Participant phenotype was not available at the time of variant classification. Additional details can be found in publication PMID: 35346344, PMCID: PMC8962531

Fulgent Genetics
Classification: Uncertain significance for Wolff-Parkinson-White pattern; Lethal congenital glycogen storage disease of heart; Hypertrophic cardiomyopathy 6. Last evaluated: 2021-11-05. Review status: criteria provided, single submitter. Criteria: ACMG Guidelines, 2015. Collection method: clinical testing. Allele origin: unknown.

Ambry Genetics
Classification: Uncertain significance for Cardiovascular phenotype. Last evaluated: 2021-02-19. Review status: criteria provided, single submitter. Criteria: Ambry Variant Classification Scheme 2023. Collection method: clinical testing. Allele origin: germline.
Comment: The p.R186W variant (also known as c.556C>T), located in coding exon 4 of the PRKAG2 gene, results from a C to T substitution at nucleotide position 556. The arginine at codon 186 is replaced by tryptophan, an amino acid with dissimilar properties. This amino acid position is highly conserved in available vertebrate species. In addition, this alteration is predicted to be deleterious by in silico analysis. Since supporting evidence is limited at this time, the clinical significance of this alteration remains unclear.

GeneDx
Classification: Uncertain significance. Last evaluated: 2019-01-10. Review status: criteria provided, single submitter. Criteria: GeneDx Variant Classification (06012015). Collection method: clinical testing. Allele origin: germline. Affected: yes.
Comment: The R186W variant of uncertain significance in the PRKAG2 gene has not been published as pathogenic or been reported as benign to our knowledge. This variant is not observed at a significant frequency in large population cohorts (Lek et al., 2016). R186W is a non-conservative amino acid substitution, which is likely to impact secondary protein structure as these residues differ in polarity, charge, size and/or other properties. However, in-silico analyses, including protein predictors and evolutionary conservation, support that this variant does not alter protein structure/function. Additional evidence is needed to clarify the pathogenicity of this variant, including observation in a significant number of affected individuals, segregation data, and functional evidence.Therefore, based on the currently available information, it is unclear whether this variant is pathogenic or benign.

NM_016203.4(PRKAG2):c.556C>T (p.Arg186Trp)

Gene: PRKAG2 (protein kinase AMP-activated non-catalytic subunit gamma 2; minus strand). Cytogenetic location: 7q36.1.
Variant type: single nucleotide variant.
Coding change: c.556C>T on transcript NM_016203.4 (MANE Select); coding-DNA position 556, C replaced by T.
Protein change: p.Arg186Trp; replaces arginine 186 with tryptophan.
Molecular consequence: missense variant.
Genome position (GRCh38, 1-based): chr7:151,675,548, G>A on the plus strand (C>T on the coding strand, the complement: PRKAG2 is on the minus strand). VCF-style: chr7-151675548-G-A. GRCh37 (hg19) VCF-style: chr7-151372634-G-A.
Other names: p.R186W:CGG>TGG; p.Arg186Trp; c.424C>T, p.Arg142Trp (NM_001040633.2); c.184C>T, p.Arg62Trp (NM_001304527.2, NM_001363698.2); short protein forms R186W, R142W, R62W.
Identifiers: ClinVar variation 181469 (VCV000181469.17), dbSNP rs200392688, ClinGen allele CA014340.